The following is an entry in ClinVar:

ClinVar aggregate classification (germline): Uncertain significance (1 of 4 stars; one submission).

Conditions:
Neuronal ceroid lipofuscinosis. Also called: Neuronal Ceroid Lipofuscinoses. Identifiers: Orphanet 216, Orphanet 79263, MedGen C0027877, MONDO:0016295. Disease mechanism: loss of function.

Submission:

Labcorp Genetics (formerly Invitae), Labcorp
Classification: Uncertain significance for Neuronal ceroid lipofuscinosis. Last evaluated: 2022-09-13. Review status: criteria provided, single submitter. Criteria: Invitae Variant Classification Sherloc (09022015). Collection method: clinical testing. Allele origin: germline.
Comment: In summary, the available evidence is currently insufficient to determine the role of this variant in disease. Therefore, it has been classified as a Variant of Uncertain Significance. Algorithms developed to predict the effect of sequence changes on RNA splicing suggest that this variant may create or strengthen a splice site. Advanced modeling of protein sequence and biophysical properties (such as structural, functional, and spatial information, amino acid conservation, physicochemical variation, residue mobility, and thermodynamic stability) performed at Invitae indicates that this missense variant is not expected to disrupt CLN5 protein function. This variant has not been reported in the literature in individuals affected with CLN5-related conditions. This variant is not present in population databases (gnomAD no frequency). This sequence change replaces alanine, which is neutral and non-polar, with glycine, which is neutral and non-polar, at codon 121 of the CLN5 protein (p.Ala121Gly).

NM_006493.4(CLN5):c.215C>G (p.Ala72Gly)

Gene: CLN5 (CLN5 lysosomal BMP synthase; plus strand). Cytogenetic location: 13q22.3.
Variant type: single nucleotide variant.
Coding change: c.215C>G on transcript NM_006493.4 (MANE Select); coding-DNA position 215, C replaced by G.
Protein change: p.Ala72Gly; replaces alanine 72 with glycine.
Molecular consequence: missense variant.
Genome position (GRCh38, 1-based): chr13:76,995,104, C>G. VCF-style: chr13-76995104-C-G. GRCh37 (hg19) VCF-style: chr13-77569239-C-G.
Other names: c.215C>G, p.Ala72Gly (NM_001366624.2); short protein forms A121G, A72G.
Identifiers: ClinVar variation 2135259 (VCV002135259.4), dbSNP rs2154034628, ClinGen allele CA388307803.
Genomic context (GRCh38, chr13:76,995,104, plus strand): 5'-GTTTCTTTTTCTTTATTAGGCGCTTTGACTTCCGTCCAAAACCTGATCCTTATTGTCAAG[C>G]TAAGTATACTTTCTGTCCAACTGGCTCACCTATCCCAGTTATGGAGGGTGATGATGACAT-3'
Protein context (NP_006484.2, residues 62-82): FRPKPDPYCQ[Ala72Gly]KYTFCPTGSP